The following is an entry in ClinVar:

NM_001379500.1(COL18A1):c.3761C>T (p.Ala1254Val)

Genes: COL18A1 (collagen type XVIII alpha 1 chain; plus strand), SLC19A1 (solute carrier family 19 member 1; minus strand). Cytogenetic location: 21q22.3.
Variant type: single nucleotide variant.
Coding change: c.3761C>T on transcript NM_001379500.1 (MANE Select); coding-DNA position 3761, C replaced by T.
Protein change: p.Ala1254Val; replaces alanine 1254 with valine.
Molecular consequence: missense variant.
Genome position (GRCh38, 1-based): chr21:45,511,178, C>T. VCF-style: chr21-45511178-C-T. GRCh37 (hg19) VCF-style: chr21-46931092-C-T.
Other names: NM_130445.2:c.3752C>T; c.4292C>T, p.Ala1431Val (NM_030582.4); c.4997C>T, p.Ala1666Val (NM_130444.3); c.4292C>T (NM_030582.3); short protein forms A1431V, A1254V, A1666V.
Identifiers: ClinVar variation 1354496 (VCV001354496.7), dbSNP rs763990411, ClinGen allele CA10068066.

ClinVar aggregate classification (germline): Uncertain significance. Review status: criteria provided, multiple submitters, no conflicts (2 of 4 stars). 4 submissions from 4 submitters: Uncertain significance (4). Last evaluated 2026-02-17.

Conditions:
COL18A1-related disorder. Also called: COL18A1-related disorders; COL18A1-related condition.
Hereditary glaucoma, primary closed-angle. Also called: Glaucoma, primary closed-angle. Identifiers: MedGen C5394374, MONDO:0030038, OMIM 618880.
Knobloch syndrome 1 (KNO1). Identifiers: MedGen C4551775, MONDO:0800167, OMIM 267750.

Allele frequency attached by ClinVar (database versions not stated): ExAC 0.00002; gnomAD exomes 0.00004; gnomAD 0.00013 and 0.00015; TOPMed 0.00037.
gnomAD v4.1: 44 of 1,601,164 alleles (0.0027%); highest among the groups gnomAD compares: Admixed American, 0.048%; no homozygotes.

Submissions (4):

PreventionGenetics, part of Exact Sciences
Classification: Uncertain significance for COL18A1-related condition. Last evaluated: 2026-02-17. Review status: criteria provided, single submitter. Criteria: ACMG Guidelines, 2015. Collection method: clinical testing. Allele origin: germline.
Comment: The COL18A1 c.4292C>T variant is predicted to result in the amino acid substitution p.Ala1431Val. To our knowledge, this variant has not been reported in the literature. This variant is reported in 0.021% of alleles in individuals of Latino descent in gnomAD. At this time, the clinical significance of this variant is uncertain due to the absence of conclusive functional and genetic evidence.

GeneDx
Classification: Uncertain significance. Last evaluated: 2023-08-10. Review status: criteria provided, single submitter. Criteria: GeneDx Variant Classification Process June 2021. Collection method: clinical testing. Allele origin: germline. Affected: yes.
Comment: In silico analysis supports a deleterious effect on splicing; In silico analysis supports that this missense variant has a deleterious effect on protein structure/function; Has not been previously published as pathogenic or benign to our knowledge; Reported using an alternate transcript of the gene

Labcorp Genetics (formerly Invitae), Labcorp
Classification: Uncertain significance. Last evaluated: 2022-10-04. Review status: criteria provided, single submitter. Criteria: Invitae Variant Classification Sherloc (09022015). Collection method: clinical testing. Allele origin: germline.
Comment: This sequence change replaces alanine, which is neutral and non-polar, with valine, which is neutral and non-polar, at codon 1251 of the COL18A1 protein (p.Ala1251Val). This variant is present in population databases (rs763990411, gnomAD 0.02%). This variant has not been reported in the literature in individuals affected with COL18A1-related conditions. ClinVar contains an entry for this variant (Variation ID: 1354496). Experimental studies and prediction algorithms are not available or were not evaluated, and the functional significance of this variant is currently unknown. Algorithms developed to predict the effect of sequence changes on RNA splicing suggest that this variant may create or strengthen a splice site. In summary, the available evidence is currently insufficient to determine the role of this variant in disease. Therefore, it has been classified as a Variant of Uncertain Significance.

Fulgent Genetics
Classification: Uncertain significance for Knobloch syndrome 1; Hereditary glaucoma, primary closed-angle. Last evaluated: 2022-04-07. Review status: criteria provided, single submitter. Criteria: ACMG Guidelines, 2015. Collection method: clinical testing. Allele origin: unknown.